The following is an entry in ClinVar:

NM_001376.5(DYNC1H1):c.7774G>A (p.Val2592Ile)

Gene: DYNC1H1 (dynein cytoplasmic 1 heavy chain 1; plus strand). Cytogenetic location: 14q32.31.
Variant type: single nucleotide variant.
Coding change: c.7774G>A on transcript NM_001376.5 (MANE Select); coding-DNA position 7774, G replaced by A.
Protein change: p.Val2592Ile; replaces valine 2592 with isoleucine.
Molecular consequence: missense variant.
Genome position (GRCh38, 1-based): chr14:102,016,925, G>A. VCF-style: chr14-102016925-G-A. GRCh37 (hg19) VCF-style: chr14-102483262-G-A.
Other names: short protein forms V2592I.
Identifiers: ClinVar variation 4994801 (VCV004994801.1).

ClinVar aggregate classification (germline): Uncertain significance (1 of 4 stars; one submission).

Conditions:
DYNC1H1-related disorder. Also called: DYNC1H1-related disorders; DYNC1H1-related condition. Identifiers: MedGen CN381529.

Submission:

PreventionGenetics, part of Exact Sciences
Classification: Uncertain significance for DYNC1H1-related condition. Last evaluated: 2025-10-07. Review status: criteria provided, single submitter. Criteria: ACMG Guidelines, 2015. Collection method: clinical testing. Allele origin: germline.
Comment: The DYNC1H1 c.7774G>A variant is predicted to result in the amino acid substitution p.Val2592Ile. To our knowledge, this variant has not been reported in the literature or in a large population database (gnomAD), indicating this variant is rare. At this time, the clinical significance of this variant is uncertain due to the absence of conclusive functional and genetic evidence.